The following is an entry in ClinVar:

ClinVar aggregate classification (germline): Conflicting classifications of pathogenicity. Review status: criteria provided, conflicting classifications (1 of 4 stars). 3 submissions from 3 submitters: Uncertain significance (1); Likely benign (2). Last evaluated 2025-12-22.

Conditions:
Inborn genetic diseases. Identifiers: MedGen C0950123, MeSH D030342.

Allele frequency attached by ClinVar (database versions not stated): ExAC 0.00018; ESP Exome Variant Server 0.00023; gnomAD exomes 0.00027; gnomAD 0.00013 and 0.00014; TOPMed 0.00014.
gnomAD v4.1: 218 of 1,603,356 alleles (0.014%); highest among the groups gnomAD compares: Middle Eastern, 0.12%; no homozygotes.

Submissions (3):

Labcorp Genetics (formerly Invitae), Labcorp
Classification: Likely benign. Last evaluated: 2025-12-22. Review status: criteria provided, single submitter. Criteria: Invitae Variant Classification Sherloc (09022015). Collection method: clinical testing. Allele origin: germline.

Mayo Clinic Laboratories, Mayo Clinic
Classification: Likely benign. Last evaluated: 2025-06-09. Review status: criteria provided, single submitter. Criteria: ACMG Guidelines, 2015. Collection method: clinical testing. Allele origin: germline. Observed: 1 variant allele.
Comment: BS1, BP4_moderate

Ambry Genetics
Classification: Uncertain significance for Inborn genetic diseases. Last evaluated: 2023-12-07. Review status: criteria provided, single submitter. Criteria: Ambry Variant Classification Scheme 2023. Collection method: clinical testing. Allele origin: germline.

NM_003055.3(SLC18A3):c.1030C>G (p.Leu344Val)

Genes: CHAT (choline O-acetyltransferase; plus strand), SLC18A3 (solute carrier family 18 member A3; plus strand). Cytogenetic location: 10q11.23.
Variant type: single nucleotide variant.
Coding change: c.1030C>G on transcript NM_003055.3 (MANE Select); coding-DNA position 1030, C replaced by G.
Protein change: p.Leu344Val; replaces leucine 344 with valine.
Molecular consequence: missense variant. On other transcripts: intron variant (1).
Genome position (GRCh38, 1-based): chr10:49,611,770, C>G. VCF-style: chr10-49611770-C-G. GRCh37 (hg19) VCF-style: chr10-50819816-C-G.
Other names: p.Leu344Val; c.-69+2571C>G (NM_020984.4); short protein forms L344V.
Identifiers: ClinVar variation 1640808 (VCV001640808.9), dbSNP rs78571038, ClinGen allele CA5496887.